The following is an entry in ClinVar:

ClinVar aggregate classification (germline): Uncertain significance (1 of 4 stars; one submission).

Allele frequency attached by ClinVar (database versions not stated): gnomAD exomes below 0.00001.

Submission:

Ambry Genetics
Classification: Uncertain significance. Last evaluated: 2024-02-11. Review status: criteria provided, single submitter. Criteria: Ambry Variant Classification Scheme 2023. Collection method: clinical testing. Allele origin: germline.
Comment: The p.R1790S variant (also known as c.5370A>C), located in coding exon 16 of the POLQ gene, results from an A to C substitution at nucleotide position 5370. The arginine at codon 1790 is replaced by serine, an amino acid with dissimilar properties. This amino acid position is conserved. In addition, this alteration is predicted to be tolerated by in silico analysis. Based on the available evidence, the clinical significance of this alteration remains unclear.

NM_199420.4(POLQ):c.5370A>C (p.Arg1790Ser)

Gene: POLQ (DNA polymerase theta; minus strand). Cytogenetic location: 3q13.33.
Variant type: single nucleotide variant.
Coding change: c.5370A>C on transcript NM_199420.4 (MANE Select); coding-DNA position 5370, A replaced by C.
Protein change: p.Arg1790Ser; replaces arginine 1790 with serine.
Molecular consequence: missense variant.
Genome position (GRCh38, 1-based): chr3:121,487,561, T>G on the plus strand (A>C on the coding strand, the complement: POLQ is on the minus strand). VCF-style: chr3-121487561-T-G. GRCh37 (hg19) VCF-style: chr3-121206408-T-G.
Other names: short protein forms R1790S.
Identifiers: ClinVar variation 3230058 (VCV003230058.1), dbSNP rs2546784813, ClinGen allele CA354090385.